The following is an entry in ClinVar:

ClinVar aggregate classification (germline): Likely pathogenic (1 of 4 stars; one submission).

Conditions:
Fabry disease. Also called: ALPHA-GALACTOSIDASE A DEFICIENCY; ANDERSON-FABRY DISEASE; CERAMIDE TRIHEXOSIDASE DEFICIENCY; GLA DEFICIENCY; HEREDITARY DYSTOPIC LIPIDOSIS; Angiokeratoma corporis diffusum. Identifiers: Orphanet 324, MedGen C0002986, MONDO:0010526, OMIM 301500, HP:0001071. Disease mechanism: Fabry disease is due to inactivating mutations in the X-linked GLA gene resulting in deficiency of the enzyme Alpha Galactosidase-A., loss of function.

Submission:

Genomenon, Inc
Classification: Likely pathogenic for Fabry disease. Last evaluated: 2026-09-08. Review status: criteria provided, single submitter. Criteria: Genomenon Sequence Variant Interpretation Standards - Updated. Collection method: curation. Allele origin: germline. Affected: yes.
Comment: GLA p.Ala309Pro (c.925G>C) is a missense variant that changes the amino acid at codon 309 from Alanine to Proline. This variant has been observed in at least one proband with clinical features consistent with Fabry disease (PMID:29437868). At least one functional study has demonstrated a substantial alteration in protein function relative to the wild-type (PMID:27657681). It is absent or not present at a significant frequency in gnomAD. In conclusion, we classify GLA p.Ala309Pro (c.925G>C) as a likely pathogenic variant.

Literature cited by the submitters: PubMed 29437868; PubMed 27657681.

NM_000169.3(GLA):c.925G>C (p.Ala309Pro)

Genes: GLA (galactosidase alpha; minus strand), RPL36A-HNRNPH2 (RPL36A-HNRNPH2 readthrough; plus strand). Cytogenetic location: Xq22.1.
Variant type: single nucleotide variant.
Coding change: c.925G>C on transcript NM_000169.3 (MANE Select); coding-DNA position 925, G replaced by C.
Protein change: p.Ala309Pro; replaces alanine 309 with proline.
Molecular consequence: missense variant. On other transcripts: non-coding transcript variant (3), intron variant (2).
Genome position (GRCh38, 1-based): chrX:101,398,444, C>G on the plus strand (G>C on the coding strand, the complement: GLA is on the minus strand). VCF-style: chrX-101398444-C-G. GRCh37 (hg19) VCF-style: chrX-100653432-C-G.
Other names: c.1048G>C, p.Ala350Pro (NM_001406747.1); c.925G>C, p.Ala309Pro (NM_001406748.1); c.300+2987C>G (NM_001199973.2); c.177+6622C>G (NM_001199974.2); short protein forms A309P, A350P.
Identifiers: ClinVar variation 4087582 (VCV004087582.2).